The following is an entry in ClinVar:

ClinVar aggregate classification (germline): Uncertain significance. Review status: criteria provided, multiple submitters, no conflicts (2 of 4 stars). 2 submissions from 2 submitters: Uncertain significance (2). Last evaluated 2025-08-25.

Conditions:
Inborn genetic diseases. Identifiers: MedGen C0950123, MeSH D030342.

Allele frequency attached by ClinVar (database versions not stated): TOPMed 0.00001; ExAC 0.00002; gnomAD 0.00002; gnomAD exomes 0.00002.
gnomAD v4.1: 27 of 1,614,030 alleles (0.0017%); highest among the groups gnomAD compares: Non-Finnish European, 0.0023%; no homozygotes.

Submissions (2):

Ambry Genetics
Classification: Uncertain significance for Inborn genetic diseases. Last evaluated: 2025-08-25. Review status: criteria provided, single submitter. Criteria: Ambry Variant Classification Scheme 2023. Collection method: clinical testing. Allele origin: germline.

Labcorp Genetics (formerly Invitae), Labcorp
Classification: Uncertain significance. Last evaluated: 2024-11-30. Review status: criteria provided, single submitter. Criteria: Invitae Variant Classification Sherloc (09022015). Collection method: clinical testing. Allele origin: germline.
Comment: This sequence change replaces glutamine, which is neutral and polar, with arginine, which is basic and polar, at codon 1020 of the DUOX2 protein (p.Gln1020Arg). This variant is present in population databases (rs773748106, gnomAD 0.006%). This variant has not been reported in the literature in individuals affected with DUOX2-related conditions. ClinVar contains an entry for this variant (Variation ID: 2192874). Invitae Evidence Modeling of protein sequence and biophysical properties (such as structural, functional, and spatial information, amino acid conservation, physicochemical variation, residue mobility, and thermodynamic stability) indicates that this missense variant is not expected to disrupt DUOX2 protein function with a negative predictive value of 80%. In summary, the available evidence is currently insufficient to determine the role of this variant in disease. Therefore, it has been classified as a Variant of Uncertain Significance.

NM_001363711.2(DUOX2):c.3059A>G (p.Gln1020Arg)

Gene: DUOX2 (dual oxidase 2; minus strand). Cytogenetic location: 15q21.1.
Variant type: single nucleotide variant.
Coding change: c.3059A>G on transcript NM_001363711.2 (MANE Select); coding-DNA position 3059, A replaced by G.
Protein change: p.Gln1020Arg; replaces glutamine 1020 with arginine.
Molecular consequence: missense variant.
Genome position (GRCh38, 1-based): chr15:45,100,175, T>C on the plus strand (A>G on the coding strand, the complement: DUOX2 is on the minus strand). VCF-style: chr15-45100175-T-C. GRCh37 (hg19) VCF-style: chr15-45392373-T-C.
Other names: c.3059A>G (NM_014080.4); c.3059A>G, p.Gln1020Arg (NM_014080.5); short protein forms Q1020R.
Identifiers: ClinVar variation 2192874 (VCV002192874.4), dbSNP rs773748106, ClinGen allele CA7538027.